The following is an entry in ClinVar:

NC_000013.10:g.(?_32928978)_(32945257_?)dup

Gene: BRCA2 (BRCA2 DNA repair associated; plus strand). Cytogenetic location: 13q13.1.
Variant type: Duplication.
Identifiers: ClinVar variation 2422275 (VCV002422275.3).

ClinVar aggregate classification (germline): Likely pathogenic (1 of 4 stars; one submission).

Conditions:
Hereditary breast ovarian cancer syndrome. Also called: Hereditary breast and ovarian cancer syndrome; Hereditary breast and ovarian cancer; Hereditary breast and/or ovarian cancer syndrome; Hereditary breast and ovarian cancer syndrome (HBOC); Breast and ovarian cancer; BRCA1- and BRCA2-Associated Hereditary Breast and Ovarian Cancer. Identifiers: Orphanet 145, MedGen C0677776, MeSH D061325, MONDO:0003582. Disease mechanism: loss of function.

Submission:

Labcorp Genetics (formerly Invitae), Labcorp
Classification: Likely pathogenic for Hereditary breast ovarian cancer syndrome. Last evaluated: 2022-06-09. Review status: criteria provided, single submitter. Criteria: Invitae Variant Classification Sherloc (09022015). Collection method: clinical testing. Allele origin: germline.
Comment: This variant has not been reported in the literature in individuals affected with BRCA2-related conditions. In summary, the currently available evidence indicates that the variant is pathogenic, but additional data are needed to prove that conclusively. Therefore, this variant has been classified as Likely Pathogenic. Experimental studies and prediction algorithms are not available or were not evaluated, and the functional significance of this variant is currently unknown. This variant results in a copy number gain of the genomic region encompassing exon(s) 14-20 of the BRCA2 gene. While the exact position of this variant cannot be determined from the data, sub-genic copy number gains are generally in tandem (PMID: 25640679). This variant is predicted to be out-of-frame, and may result in an absent or disrupted protein product. Loss-of-function variants in BRCA2 are known to be pathogenic (PMID: 20104584).

Literature cited by the submitters: PubMed 25640679; PubMed 20104584.